The following is an entry in ClinVar:

ClinVar aggregate classification (germline): Pathogenic/Likely pathogenic. Review status: criteria provided, multiple submitters, no conflicts (2 of 4 stars). 3 submissions from 3 submitters: Pathogenic (2); Likely pathogenic (1). Last evaluated 2025-10-14.

Conditions:
Hereditary cancer-predisposing syndrome. Also called: Tumor predisposition; Neoplastic Syndromes, Hereditary; Hereditary Cancer Syndrome; Hereditary neoplastic syndrome. Identifiers: Orphanet 140162, MedGen C0027672, MeSH D009386, MONDO:0015356.
Hereditary pheochromocytoma and paraganglioma. Also called: Hereditary paragangliomas and pheochromocytomas; Hereditary pheochromocytoma-paraganglioma; Hereditary Paraganglioma-Pheochromocytoma Syndromes. Identifiers: Orphanet 29072, MedGen C4274332, MONDO:0017366.

Allele frequency attached by ClinVar (database versions not stated): gnomAD exomes below 0.00001.
gnomAD v4.1: 3 of 1,614,170 alleles (0.00019%); highest among the groups gnomAD compares: Non-Finnish European, 0.00017%; no homozygotes.

Submissions (3):

GeneDx
Classification: Pathogenic. Last evaluated: 2025-10-14. Review status: criteria provided, single submitter. Criteria: GeneDx Variant Classification Process June 2021. Collection method: clinical testing. Allele origin: germline. Affected: yes.
Comment: Nonsense variant predicted to result in protein truncation or nonsense mediated decay in a gene for which loss of function is a known mechanism of disease; Not observed at significant frequency in large population cohorts (gnomAD); This variant is associated with the following publications: (PMID: 28255624, 33081307, 26096992)

Ambry Genetics
Classification: Likely pathogenic for Hereditary cancer-predisposing syndrome. Last evaluated: 2024-01-23. Review status: criteria provided, single submitter. Criteria: Ambry Variant Classification Scheme 2023. Collection method: clinical testing. Allele origin: germline.
Comment: The p.Q44* variant (also known as c.130C>T), located in coding exon 2 of the SDHAF2 gene, results from a C to T substitution at nucleotide position 130. This changes the amino acid from a glutamine to a stop codon within coding exon 2. The predicted stop codon occurs in the 5&rsquo; end of theSDHAF2 gene. Premature termination codons in the 5&rsquo; end of a gene have been reported to escape nonsense-mediated mRNAdecay and/or lead to re-initiation (Rivas et al. Science. 2015 May 8;348(6235):666-9; Lindeboom et al. Nat Genet. 2016 Oct;48(10):1112-8; Rhee et al. Sci Rep. 2017 May 10;7(1):1653). Direct evidence for this alteration is unavailable, however premature termination codons are typically deleterious in nature. This variant is considered to be rare based on population cohorts in the Genome Aggregation Database (gnomAD). Based on the majority of available evidence to date, this variant is likely to be pathogenic.

Labcorp Genetics (formerly Invitae), Labcorp
Classification: Pathogenic for Hereditary pheochromocytoma and paraganglioma. Last evaluated: 2021-10-08. Review status: criteria provided, single submitter. Criteria: Invitae Variant Classification Sherloc (09022015). Collection method: clinical testing. Allele origin: germline.
Comment: For these reasons, this variant has been classified as Pathogenic. This premature translational stop signal has been observed in individual(s) with head and neck paraganglioma (PMID: 26096992). This variant is not present in population databases (ExAC no frequency). This sequence change creates a premature translational stop signal (p.Gln44*) in the SDHAF2 gene. It is expected to result in an absent or disrupted protein product. Loss-of-function variants in SDHAF2 are known to be pathogenic (PMID: 22241717, 26096992).

Literature cited by the submitters: PubMed 26096992 (cited by Ambry Genetics and Labcorp Genetics (formerly Invitae), Labcorp); PubMed 22241717 (cited by Labcorp Genetics (formerly Invitae), Labcorp).

NM_017841.4(SDHAF2):c.130C>T (p.Gln44Ter)

Gene: SDHAF2 (succinate dehydrogenase complex assembly factor 2; plus strand). Cytogenetic location: 11q12.2.
Variant type: single nucleotide variant.
Coding change: c.130C>T on transcript NM_017841.4 (MANE Select); coding-DNA position 130, C replaced by T.
Protein change: p.Gln44Ter; replaces glutamine 44 with a stop codon.
Molecular consequence: nonsense.
Genome position (GRCh38, 1-based): chr11:61,437,718, C>T. VCF-style: chr11-61437718-C-T. GRCh37 (hg19) VCF-style: chr11-61205190-C-T.
Other names: short protein forms Q44*.
Identifiers: ClinVar variation 1210770 (VCV001210770.12), dbSNP rs2134892271, ClinGen allele CA380683220.